The following is an entry in ClinVar:

ClinVar aggregate classification (germline): Likely pathogenic (1 of 4 stars; one submission).

Conditions:
Methylmalonic aciduria due to methylmalonyl-CoA mutase deficiency (MAMM). Also called: Methylmalonic aciduria, mut type. Identifiers: Orphanet 27, MedGen C1855114, MONDO:0009612, OMIM 251000.

Allele frequency attached by ClinVar (database versions not stated): gnomAD exomes below 0.00001.
gnomAD v4.1: 1 of 1,611,256 alleles (0.000062%); highest among the groups gnomAD compares: Admixed American, 0.0017%; no homozygotes.

Submission:

Myriad Genetics, Inc.
Classification: Likely pathogenic for Methylmalonic aciduria due to methylmalonyl-CoA mutase deficiency. Last evaluated: 2019-03-19. Review status: criteria provided, single submitter. Criteria: Myriad Women's Health Autosomal Recessive and X-Linked Classification Criteria (2019). Collection method: clinical testing. Allele origin: unknown.
Comment: NM_000255.3(MUT):c.787G>T(G263*) is expected to be pathogenic in the context of MUT-related methylmalonic acidemia. This variant is predicted to lead to an abnormal or absent protein product due to the creation of a premature termination codon in MUT, a gene where loss-of-function variants are known to be pathogenic. Please note: this variant was assessed in the context of healthy population screening.

NM_000255.4(MMUT):c.787G>T (p.Gly263Ter)

Gene: MMUT (methylmalonyl-CoA mutase; minus strand). Cytogenetic location: 6p12.3.
Variant type: single nucleotide variant.
Coding change: c.787G>T on transcript NM_000255.4 (MANE Select); coding-DNA position 787, G replaced by T.
Protein change: p.Gly263Ter; replaces glycine 263 with a stop codon.
Molecular consequence: nonsense.
Genome position (GRCh38, 1-based): chr6:49,456,204, C>A on the plus strand (G>T on the coding strand, the complement: MMUT is on the minus strand). VCF-style: chr6-49456204-C-A. GRCh37 (hg19) VCF-style: chr6-49423917-C-A.
Other names: short protein forms G263*.
Identifiers: ClinVar variation 984270 (VCV000984270.3), dbSNP rs1767683238, ClinGen allele CA364402535.
Genomic context (GRCh38, chr6:49,456,204, plus strand): 5'-CTGCTAAAGTATAGGCCAGCTCCAGAATGGCATCAGCCCCTGCTTCCTGCATATGGTATC[C>A]ACTAATTGAAATTGAATTAAATTTTGGCATGTGCTACATAAAAAAAAAAATTGTAACAGT-3'